The following is an entry in ClinVar:

ClinVar aggregate classification (germline): Benign (1 of 4 stars; one submission).

Conditions:
Hereditary spastic paraplegia 4. Also called: Spastic paraplegia 4, autosomal dominant; Spastic Paraplegia 4; Familial spastic paraplegia autosomal dominant 2. Identifiers: Orphanet 100985, MedGen C1866855, MONDO:0008438, OMIM 182601.

Allele frequency attached by ClinVar (database versions not stated): TOPMed 0.00006; gnomAD 0.00013; 1000 Genomes Project 30x 0.00703; 1000 Genomes Project 0.00779.

Submission:

Illumina Laboratory Services, Illumina
Classification: Benign for Hereditary spastic paraplegia 4. Last evaluated: 2018-01-13. Review status: criteria provided, single submitter. Criteria: ICSL Variant Classification Criteria 13 December 2019. Collection method: clinical testing. Allele origin: germline.
Comment: This variant was observed in the ICSL laboratory as part of a predisposition screen in an ostensibly healthy population. It had not been previously curated by ICSL or reported in the Human Gene Mutation Database (HGMD: prior to June 1st, 2018), and was therefore a candidate for classification through an automated scoring system. Utilizing variant allele frequency, disease prevalence and penetrance estimates, and inheritance mode, an automated score was calculated to assess if this variant is too frequent to cause the disease. Based on the score and internal cut-off values, a variant classified as benign is not then subjected to further curation. The score for this variant resulted in a classification of benign for this disease.

NM_014946.4(SPAST):c.*2433A>G

Gene: SPAST (spastin; plus strand). Cytogenetic location: 2p22.3.
Variant type: single nucleotide variant.
Coding change: c.*2433A>G on transcript NM_014946.4 (MANE Select); 2433 bases downstream of the stop codon, A replaced by G.
Molecular consequence: 3 prime UTR variant.
Genome position (GRCh38, 1-based): chr2:32,156,929, A>G. VCF-style: chr2-32156929-A-G. GRCh37 (hg19) VCF-style: chr2-32381998-A-G.
Other names: c.*2433A>G (NM_001363823.2, NM_001363875.2, NM_199436.2); c.*2557A>G (NM_001377959.1).
Identifiers: ClinVar variation 335882 (VCV000335882.5), dbSNP rs569779105, ClinGen allele CA10613744.